The following is an entry in ClinVar:

ClinVar aggregate classification (germline): Conflicting classifications of pathogenicity. Review status: criteria provided, conflicting classifications (1 of 4 stars). 7 submissions from 6 submitters: Uncertain significance (5); Benign (1); Likely benign (1). Last evaluated 2026-10-01.

Conditions:
Migraine, familial hemiplegic, 2. Identifiers: Orphanet 569, MedGen C1865322, MONDO:0011232, OMIM 602481.
Alternating hemiplegia of childhood 1 (AHC1). Identifiers: Orphanet 2131, MedGen C3549447, MONDO:0007087, OMIM 104290.
Inborn genetic diseases. Identifiers: MedGen C0950123, MeSH D030342.
Familial hemiplegic migraine. Identifiers: MedGen C0338484, MONDO:0000700.

Allele frequency attached by ClinVar (database versions not stated): TOPMed 0.00007; gnomAD 0.00009; ESP Exome Variant Server 0.00015.
gnomAD v4.1: 176 of 1,614,068 alleles (0.011%); highest among the groups gnomAD compares: Non-Finnish European, 0.013%; no homozygotes.

Submissions (7):

CeGaT Center for Human Genetics Tuebingen
Classification: Uncertain significance. Last evaluated: 2026-10-01. Review status: criteria provided, single submitter. Criteria: CeGaT Center For Human Genetics Tuebingen Variant Classification Criteria Version 2. Collection method: clinical testing. Allele origin: germline. Affected: yes. Observed: 3 variant alleles.
Comment: ATP1A2: PM2

Ambry Genetics
Classification: Uncertain significance for Inborn genetic diseases. Last evaluated: 2026-07-10. Review status: criteria provided, single submitter. Criteria: Ambry Variant Classification Scheme 2023. Collection method: clinical testing. Allele origin: germline.
Comment: The c.1582G>A (p.D528N) alteration is located in exon 12 (coding exon 12) of the ATP1A2 gene. This alteration results from a G to A substitution at nucleotide position 1582, causing the aspartic acid (D) at amino acid position 528 to be replaced by an asparagine (N). Based on data from gnomAD, the A allele has an overall frequency of 0.007% (19/282824) total alleles studied. The highest observed frequency was 0.012% (16/129150) of European (non-Finnish) alleles. Based on insufficient or conflicting evidence, the clinical significance of this alteration remains unclear.

Labcorp Genetics (formerly Invitae), Labcorp
Classification: Uncertain significance for Familial hemiplegic migraine. Last evaluated: 2025-10-02. Review status: criteria provided, single submitter. Criteria: Invitae Variant Classification Sherloc (09022015). Collection method: clinical testing. Allele origin: germline.
Comment: This sequence change replaces aspartic acid, which is acidic and polar, with asparagine, which is neutral and polar, at codon 528 of the ATP1A2 protein (p.Asp528Asn). This variant is present in population databases (rs374501280, gnomAD 0.01%). This variant has not been reported in the literature in individuals affected with ATP1A2-related conditions. ClinVar contains an entry for this variant (Variation ID: 432411). Invitae Evidence Modeling of protein sequence and biophysical properties (such as structural, functional, and spatial information, amino acid conservation, physicochemical variation, residue mobility, and thermodynamic stability) indicates that this missense variant is not expected to disrupt ATP1A2 protein function with a negative predictive value of 80%. In summary, the available evidence is currently insufficient to determine the role of this variant in disease. Therefore, it has been classified as a Variant of Uncertain Significance.

GeneDx
Classification: Uncertain significance. Last evaluated: 2024-04-14. Review status: criteria provided, single submitter. Criteria: GeneDx Variant Classification Process June 2021. Collection method: clinical testing. Allele origin: germline. Affected: yes.
Comment: In silico analysis supports that this missense variant has a deleterious effect on protein structure/function; Has not been previously published as pathogenic or benign to our knowledge; Located within the Phosphorylation Subdomain (PMID: 18184292); This variant is associated with the following publications: (PMID: 18184292)

Athena Diagnostics
Classification: Uncertain significance. Last evaluated: 2020-01-09. Review status: criteria provided, single submitter. Criteria: Athena Diagnostics Criteria. Collection method: clinical testing. Allele origin: unknown.

Illumina Laboratory Services, Illumina
Classification: Benign for Alternating hemiplegia of childhood 1. Last evaluated: 2018-01-13. Review status: criteria provided, single submitter. Criteria: ICSL Variant Classification Criteria 13 December 2019. Collection method: clinical testing. Allele origin: germline.
Comment: This variant was observed in the ICSL laboratory as part of a predisposition screen in an ostensibly healthy population. It had not been previously curated by ICSL or reported in the Human Gene Mutation Database (HGMD: prior to June 1st, 2018), and was therefore a candidate for classification through an automated scoring system. Utilizing variant allele frequency, disease prevalence and penetrance estimates, and inheritance mode, an automated score was calculated to assess if this variant is too frequent to cause the disease. Based on the score and internal cut-off values, a variant classified as benign is not then subjected to further curation. The score for this variant resulted in a classification of benign for this disease.

Illumina Laboratory Services, Illumina
Classification: Likely benign for Migraine, familial hemiplegic, 2. Last evaluated: 2018-01-13. Review status: criteria provided, single submitter. Criteria: ICSL Variant Classification Criteria 13 December 2019. Collection method: clinical testing. Allele origin: germline.
Comment: This variant was observed in the ICSL laboratory as part of a predisposition screen in an ostensibly healthy population. It had not been previously curated by ICSL or reported in the Human Gene Mutation Database (HGMD: prior to June 1st, 2018), and was therefore a candidate for classification through an automated scoring system. Utilizing variant allele frequency, disease prevalence and penetrance estimates, and inheritance mode, an automated score was calculated to assess if this variant is too frequent to cause the disease. Based on the score and internal cut-off values, a variant classified as likely benign is not then subjected to further curation. The score for this variant resulted in a classification of likely benign for this disease.

NM_000702.4(ATP1A2):c.1582G>A (p.Asp528Asn)

Gene: ATP1A2 (ATPase Na+/K+ transporting subunit alpha 2; plus strand). Cytogenetic location: 1q23.2.
Variant type: single nucleotide variant.
Coding change: c.1582G>A on transcript NM_000702.4 (MANE Select); coding-DNA position 1582, G replaced by A.
Protein change: p.Asp528Asn; replaces aspartic acid 528 with asparagine.
Molecular consequence: missense variant.
Genome position (GRCh38, 1-based): chr1:160,130,222, G>A. VCF-style: chr1-160130222-G-A. GRCh37 (hg19) VCF-style: chr1-160100012-G-A.
Other names: short protein forms D528N.
Identifiers: ClinVar variation 432411 (VCV000432411.41), dbSNP rs374501280, ClinGen allele CA1194531.